The following is an entry in ClinVar:

ClinVar aggregate classification (germline): Likely benign. Review status: criteria provided, multiple submitters, no conflicts (2 of 4 stars). 4 submissions from 4 submitters: Likely benign (4). Last evaluated 2026-05-12.

Conditions:
Neurofibromatosis, type 1 (NF1). Also called: Neurofibromatosis, type I; NEUROFIBROMATOSIS, TYPE I, SOMATIC; VON RECKLINGHAUSEN DISEASE; Peripheral type neurofibromatosis. Identifiers: Orphanet 636, MedGen C0027831, MONDO:0018975, OMIM 162200. Disease mechanism: loss of function.

Submissions (4):

Myriad Genetics, Inc.
Classification: Likely benign for Neurofibromatosis, type 1. Last evaluated: 2026-05-12. Review status: criteria provided, single submitter. Criteria: Myriad Autosomal Dominant, Autosomal Recessive and X-Linked Classification Criteria (2023). Collection method: clinical testing. Allele origin: unknown.
Comment: This variant is considered likely benign. This variant is intronic and is not expected to impact mRNA splicing.

Labcorp Genetics (formerly Invitae), Labcorp
Classification: Likely benign for Neurofibromatosis, type 1. Last evaluated: 2026-02-03. Review status: criteria provided, single submitter. Criteria: Invitae Variant Classification Sherloc (09022015). Collection method: clinical testing. Allele origin: germline.

GeneDx
Classification: Likely benign. Last evaluated: 2024-01-31. Review status: criteria provided, single submitter. Criteria: GeneDx Variant Classification Process June 2021. Collection method: clinical testing. Allele origin: germline. Affected: yes.
Comment: See Variant Classification Assertion Criteria.

Genome-Nilou Lab
Classification: Likely benign for Neurofibromatosis, type 1. Last evaluated: 2022-03-15. Review status: criteria provided, single submitter. Criteria: ACMG Guidelines, 2015. Collection method: clinical testing. Allele origin: germline. Affected: no.

NM_001042492.3(NF1):c.1846-22TTAT[2]

Gene: NF1 (neurofibromin 1; plus strand). Cytogenetic location: 17q11.2.
Variant type: Microsatellite.
Coding change: c.1846-22TTAT[2] on transcript NM_001042492.3 (MANE Select); two copies in a row of the 4-base unit TTAT starting at c.1846-22.
Molecular consequence: intron variant.
Genome position: GRCh38 VCF-style: chr17-31225072-CTTAT-C. GRCh37 (hg19) VCF-style: chr17-29552090-CTTAT-C.
Other names: c.1846-22TTAT[2] (NM_000267.4).
Identifiers: ClinVar variation 1198673 (VCV001198673.13), dbSNP rs754412829, ClinGen allele CA8485868.